The following is an entry in ClinVar:

NM_000377.3(WAS):c.1106C>T (p.Pro369Leu)

Gene: WAS (WASP actin nucleation promoting factor; plus strand). Cytogenetic location: Xp11.23.
Variant type: single nucleotide variant.
Coding change: c.1106C>T on transcript NM_000377.3 (MANE Select); coding-DNA position 1106, C replaced by T.
Protein change: p.Pro369Leu; replaces proline 369 with leucine.
Molecular consequence: missense variant.
Genome position (GRCh38, 1-based): chrX:48,688,834, C>T. VCF-style: chrX-48688834-C-T. GRCh37 (hg19) VCF-style: chrX-48547223-C-T.
Other names: short protein forms P369L.
Identifiers: ClinVar variation 3753434 (VCV003753434.2).

ClinVar aggregate classification (germline): Uncertain significance (1 of 4 stars; one submission).

Conditions:
Thrombocytopenia 1. Also called: THROMBOCYTOPENIA, X-LINKED, 1; X-Linked Thrombocytopenia (XLT); X-linked thrombocytopenia with normal platelets. Identifiers: Orphanet 268322, Orphanet 852, MedGen C1839163, MONDO:0010743, OMIM 313900.
Wiskott-Aldrich syndrome (WAS). Also called: ALDRICH SYNDROME; IMMUNODEFICIENCY 2; WISKOTT-ALDRICH SYNDROME 1; Wiskott-aldrich syndrome, somatic. Identifiers: Orphanet 906, MedGen C0043194, MONDO:0010518, OMIM 301000.
X-linked severe congenital neutropenia (SCNX). Identifiers: Orphanet 86788, MedGen C1845987, MONDO:0010294, OMIM 300299.

Submission:

Labcorp Genetics (formerly Invitae), Labcorp
Classification: Uncertain significance for Wiskott-Aldrich syndrome; X-linked severe congenital neutropenia; Thrombocytopenia 1. Last evaluated: 2024-03-13. Review status: criteria provided, single submitter. Criteria: Invitae Variant Classification Sherloc (09022015). Collection method: clinical testing. Allele origin: germline.
Comment: This sequence change replaces proline, which is neutral and non-polar, with leucine, which is neutral and non-polar, at codon 369 of the WAS protein (p.Pro369Leu). This variant is not present in population databases (gnomAD no frequency). This variant has not been reported in the literature in individuals affected with WAS-related conditions. Advanced modeling of protein sequence and biophysical properties (such as structural, functional, and spatial information, amino acid conservation, physicochemical variation, residue mobility, and thermodynamic stability) performed at Invitae indicates that this missense variant is not expected to disrupt WAS protein function with a negative predictive value of 80%. In summary, the available evidence is currently insufficient to determine the role of this variant in disease. Therefore, it has been classified as a Variant of Uncertain Significance.